The following is an entry in ClinVar:

NM_004415.4(DSP):c.1117A>G (p.Lys373Glu)

Gene: DSP (desmoplakin; plus strand). Cytogenetic location: 6p24.3.
Variant type: single nucleotide variant.
Coding change: c.1117A>G on transcript NM_004415.4 (MANE Select); coding-DNA position 1117, A replaced by G.
Protein change: p.Lys373Glu; replaces lysine 373 with glutamic acid.
Molecular consequence: missense variant.
Genome position (GRCh38, 1-based): chr6:7,567,426, A>G. VCF-style: chr6-7567426-A-G. GRCh37 (hg19) VCF-style: chr6-7567659-A-G.
Other names: c.1117A>G, p.Lys373Glu (NM_001008844.3, NM_001319034.2, NM_001406591.1); short protein forms K373E.
Identifiers: ClinVar variation 4793094 (VCV004793094.1).
Genomic context (GRCh38, chr6:7,567,426, plus strand): 5'-ACTCTGCAGACGCAGTGGAGTTGGATTCTTCAGATCACCAAGTGCATTGATGTTCATCTG[A>G]AAGAAAATGCTGCCTACTTTCAGGTTTTTATATTTAGTGATAATTTTGTTGTTATTTAGG-3'
Protein context (NP_004406.2, residues 363-383): QITKCIDVHL[Lys373Glu]ENAAYFQFFE

ClinVar aggregate classification (germline): Uncertain significance (1 of 4 stars; one submission).

Conditions:
Arrhythmogenic right ventricular dysplasia 8 (ARVD8). Also called: Arrhythmogenic Right Ventricular Dysplasia/Cardiomyopathy 8; ARRHYTHMOGENIC RIGHT VENTRICULAR DYSPLASIA, FAMILIAL, 8; ARRHYTHMOGENIC RIGHT VENTRICULAR CARDIOMYOPATHY 8. Identifiers: MedGen C1843896, MONDO:0011831, OMIM 607450.
Arrhythmogenic cardiomyopathy with wooly hair and keratoderma. Also called: PALMOPLANTAR KERATODERMA WITH LEFT VENTRICULAR CARDIOMYOPATHY AND WOOLLY HAIR; Dilated cardiomyopathy with woolly hair and keratoderma; Arrhythmogenic cardiomyopathy with woolly hair and keratoderma; Carvajal syndrome. Identifiers: Orphanet 65282, MedGen C1854063, MONDO:0011581, OMIM 605676.

Submission:

Labcorp Genetics (formerly Invitae), Labcorp
Classification: Uncertain significance for Arrhythmogenic cardiomyopathy with wooly hair and keratoderma; Arrhythmogenic right ventricular dysplasia 8. Last evaluated: 2025-05-16. Review status: criteria provided, single submitter. Criteria: Invitae Variant Classification Sherloc (09022015). Collection method: clinical testing. Allele origin: germline.
Comment: This sequence change replaces lysine, which is basic and polar, with glutamic acid, which is acidic and polar, at codon 373 of the DSP protein (p.Lys373Glu). This variant is not present in population databases (gnomAD no frequency). This variant has not been reported in the literature in individuals affected with DSP-related conditions. An algorithm developed to predict the effect of missense changes on protein structure and function (PolyPhen-2) suggests that this variant is likely to be disruptive. In summary, the available evidence is currently insufficient to determine the role of this variant in disease. Therefore, it has been classified as a Variant of Uncertain Significance.